The following is an entry in ClinVar:

NM_173551.5(ANKS6):c.2052C>A (p.Ser684Arg)

Gene: ANKS6 (ankyrin repeat and sterile alpha motif domain containing 6; minus strand). Cytogenetic location: 9q22.33.
Variant type: single nucleotide variant.
Coding change: c.2052C>A on transcript NM_173551.5 (MANE Select); coding-DNA position 2052, C replaced by A.
Protein change: p.Ser684Arg; replaces serine 684 with arginine.
Molecular consequence: missense variant.
Genome position (GRCh38, 1-based): chr9:98,768,171, G>T on the plus strand (C>A on the coding strand, the complement: ANKS6 is on the minus strand). VCF-style: chr9-98768171-G-T. GRCh37 (hg19) VCF-style: chr9-101530453-G-T.
Other names: short protein forms S684R.
Identifiers: ClinVar variation 541403 (VCV000541403.8), dbSNP rs1554742278, ClinGen allele CA374214544.

ClinVar aggregate classification (germline): Uncertain significance (1 of 4 stars; one submission).

Conditions:
Nephronophthisis 16 (NPHP16). Identifiers: Orphanet 655, MedGen C3809320, MONDO:0014158, OMIM 615382.

Submission:

Labcorp Genetics (formerly Invitae), Labcorp
Classification: Uncertain significance for Nephronophthisis 16. Last evaluated: 2017-11-30. Review status: criteria provided, single submitter. Criteria: Invitae Variant Classification Sherloc (09022015). Collection method: clinical testing. Allele origin: germline.
Comment: In summary, the available evidence is currently insufficient to determine the role of this variant in disease. Therefore, it has been classified as a Variant of Uncertain Significance. Algorithms developed to predict the effect of missense changes on protein structure and function output the following: SIFT: "Tolerated"; PolyPhen-2: "Benign"; Align-GVGD: "Class C0". The arginine amino acid residue is found in multiple mammalian species, suggesting that this missense change does not adversely affect protein function. These predictions have not been confirmed by published functional studies and their clinical significance is uncertain. This variant has not been reported in the literature in individuals with ANKS6-related disease. This variant is not present in population databases (ExAC no frequency). This sequence change replaces serine with arginine at codon 684 of the ANKS6 protein (p.Ser684Arg). The serine residue is moderately conserved and there is a moderate physicochemical difference between serine and arginine.